The following is an entry in ClinVar:

NM_030923.5(TMEM163):c.227T>C (p.Leu76Pro)

Gene: TMEM163 (transmembrane protein 163; minus strand). Cytogenetic location: 2q21.3.
Variant type: single nucleotide variant.
Coding change: c.227T>C on transcript NM_030923.5 (MANE Select); coding-DNA position 227, T replaced by C.
Protein change: p.Leu76Pro; replaces leucine 76 with proline.
Molecular consequence: missense variant.
Genome position (GRCh38, 1-based): chr2:134,713,295, A>G on the plus strand (T>C on the coding strand, the complement: TMEM163 is on the minus strand). VCF-style: chr2-134713295-A-G. GRCh37 (hg19) VCF-style: chr2-135470865-A-G.
Other names: c.227T>C (NM_030923.4); short protein forms L76P.
Identifiers: ClinVar variation 2443749 (VCV002443749.4), dbSNP rs2467325671, ClinGen allele CA348645442.

ClinVar aggregate classification (germline): Pathogenic/Likely pathogenic. Review status: criteria provided, multiple submitters, no conflicts (2 of 4 stars). 4 submissions from 4 submitters: Pathogenic (2); Likely pathogenic (1). 1 of the submissions does not count toward it. Last evaluated 2025-07-01.

Conditions:
Leukodystrophy, hypomyelinating, 25 (HLD25). Identifiers: MedGen C5830275, MONDO:0859378, OMIM 620243.

Submissions (4):

Variantyx, Inc.
Classification: Pathogenic for Leukodystrophy, hypomyelinating, 25. Last evaluated: 2025-07-01. Review status: criteria provided, single submitter. Criteria: Variantyx Assertion Criteria 2022. Collection method: clinical testing. Allele origin: de novo. Inheritance: Autosomal dominant inheritance. Affected: yes.
Comment: This is a nonsynonymous variant in the TMEM163 gene (OMIM: 618978). Pathogenic variants in this gene have been associated with autosomal dominant hypomyelinating leukodystrophy 25. This variant likely occurred de novo in individuals reported in the published literature; however, the possibility of parental germline mosaicism cannot be excluded (PMID: 35953447, 35455965) (PS2). Computational algorithms produce conflicting evidence regarding the predicted functional impact of this variant (REVEL score: 0.551), but functional studies have shown that this variant alters TMEM163 protein function (PMID: 35455965, 35953447) (PS3), and an alternate amino acid change at this position (p.Leu76Arg) has been previously reported in similarly affected individuals, which suggests that this residue is biologically important (PMID: 35455965) (PM5). This variant is absent from control populations (PM2).Based on the current evidence, this variant is classified as pathogenic for autosomal dominant hypomyelinating leukodystrophy 25.

GeneDx
Classification: Pathogenic. Last evaluated: 2025-03-13. Review status: criteria provided, single submitter. Criteria: GeneDx Variant Classification Process June 2021. Collection method: clinical testing. Allele origin: germline. Affected: yes.
Comment: Published functional studies demonstrate a significant reduction in mRNA and a more severe phenotype in zebrafish embryos with the p.(L76P) variant compared to wildtype embryos (PMID: 35455965, 35953447); Not observed at significant frequency in large population cohorts (gnomAD); In silico analysis indicates that this missense variant does not alter protein structure/function; This variant is associated with the following publications: (PMID: 36003149, 35953447, 35455965)

Kasturba Medical College, Manipal, Kasturba Medical College, Manipal, Manipal Academy of Higher Education, Manipal, India
Classification: Likely pathogenic for Leukodystrophy, hypomyelinating, 25. Last evaluated: 2022-11-07. Review status: criteria provided, single submitter. Criteria: ACMG Guidelines, 2015. Collection method: clinical testing. Allele origin: de novo. Inheritance: Autosomal dominant inheritance. Affected: yes.

OMIM
Classification: Pathogenic for LEUKODYSTROPHY, HYPOMYELINATING, 25. Last evaluated: 2023-02-14. Review status: no assertion criteria provided. Collection method: literature only. Allele origin: germline. Not counted in ClinVar's aggregate classification.

Literature cited by the submitters: PubMed 35455965 (cited by Variantyx, Inc. and OMIM); PubMed 35953447 (cited by 3 submitters).